The following is an entry in ClinVar:

ClinVar aggregate classification (germline): Pathogenic (1 of 4 stars; one submission).

Conditions:
Junctional epidermolysis bullosa with pyloric atresia. Also called: Epidermolysis bullosa, junctional, with pyloric atresia and aplasia cutis congenita; Epidermolysis bullosa junctionalis with pyloric atresia; APLASIA CUTIS CONGENITA WITH GASTROINTESTINAL ATRESIA; CARMI SYNDROME; EB-PA-ACC; ITGB4-Related Epidermolysis Bullosa with Pyloric Atresia. Identifiers: Orphanet 79403, MedGen C5676875, MONDO:0009183, OMIM 226730.

Submission:

Fulgent Genetics
Classification: Pathogenic for Junctional epidermolysis bullosa with pyloric atresia. Last evaluated: 2021-06-30. Review status: criteria provided, single submitter. Criteria: ACMG Guidelines, 2015. Collection method: clinical testing. Allele origin: unknown.
Comment: This variant has been detected in individual(s) who were sent for testing of Renasight - kidney gene panel.

NM_000210.4(ITGA6):c.915del (p.His305fs)

Genes: ITGA6 (integrin subunit alpha 6; plus strand), PDK1-AS1 (PDK1 and ITGA6 antisense RNA 1; minus strand). Cytogenetic location: 2q31.1.
Variant type: Deletion.
Coding change: c.915del on transcript NM_000210.4 (MANE Select); coding-DNA position 915, one base deleted (C; older notation c.915delC).
Protein change: p.His305fs; shifts the reading frame from histidine 305.
Molecular consequence: frameshift variant.
Genome position (GRCh38, 1-based): chr2:172,474,194, C deleted. VCF-style (leftmost placement, unchanged base first): chr2-172474193-AC-A. GRCh37 (hg19) VCF-style: chr2-173338921-AC-A.
Other names: c.915del, p.His305fs (NM_001079818.3, NM_001365529.2, NM_001365530.2); c.558del, p.His186fs (NM_001316306.2); short protein forms H186fs, H305fs.
Identifiers: ClinVar variation 1179120 (VCV001179120.2), dbSNP rs2149047683, ClinGen allele CA2499215255.